The following is an entry in ClinVar:

ClinVar aggregate classification (germline): Uncertain significance (1 of 4 stars; one submission).

Allele frequency attached by ClinVar (database versions not stated): TOPMed 0.00001; ExAC 0.00002; gnomAD 0.00006; ESP Exome Variant Server 0.00008.

Submission:

Labcorp Genetics (formerly Invitae), Labcorp
Classification: Uncertain significance. Last evaluated: 2023-10-17. Review status: criteria provided, single submitter. Criteria: Invitae Variant Classification Sherloc (09022015). Collection method: clinical testing. Allele origin: germline.
Comment: This sequence change replaces arginine, which is basic and polar, with histidine, which is basic and polar, at codon 495 of the SULF1 protein (p.Arg495His). This variant is present in population databases (rs372337091, gnomAD 0.01%). This variant has not been reported in the literature in individuals affected with SULF1-related conditions. An algorithm developed to predict the effect of missense changes on protein structure and function (PolyPhen-2) suggests that this variant is likely to be tolerated. In summary, the available evidence is currently insufficient to determine the role of this variant in disease. Therefore, it has been classified as a Variant of Uncertain Significance.

NM_001128205.2(SULF1):c.1484G>A (p.Arg495His)

Gene: SULF1 (sulfatase 1; plus strand). Cytogenetic location: 8q13.3.
Variant type: single nucleotide variant.
Coding change: c.1484G>A on transcript NM_001128205.2 (MANE Select); coding-DNA position 1484, G replaced by A.
Protein change: p.Arg495His; replaces arginine 495 with histidine.
Molecular consequence: missense variant. On other transcripts: 5 prime UTR variant (1), non-coding transcript variant (7).
Genome position (GRCh38, 1-based): chr8:69,621,141, G>A. VCF-style: chr8-69621141-G-A. GRCh37 (hg19) VCF-style: chr8-70533376-G-A.
Other names: c.1484G>A, p.Arg495His (NM_001128204.2, NM_001128206.2, NM_001412828.1 and 10 more transcripts); c.1355G>A, p.Arg452His (NM_001412832.1, NM_001412838.1, NM_001412839.1 and 1 more transcripts); c.884G>A, p.Arg295His (NM_001412845.1, NM_001412844.1); c.-308G>A (NM_001412846.1); c.1427G>A, p.Arg476His (NM_001412836.1, NM_001412837.1); c.1298G>A, p.Arg433His (NM_001412841.1, NM_001412842.1); short protein forms R452H, R476H, R495H, R295H, R433H.
Identifiers: ClinVar variation 2899653 (VCV002899653.3), dbSNP rs372337091, ClinGen allele CA4775901.